The following is an entry in ClinVar:

NM_006506.5(RASA2):c.2020_2021insAT (p.Phe674fs)

Gene: RASA2 (RAS p21 protein activator 2; plus strand). Cytogenetic location: 3q23.
Variant type: Insertion.
Coding change: c.2020_2021insAT on transcript NM_006506.5 (MANE Select); coding-DNA positions 2020 to 2021, AT inserted.
Protein change: p.Phe674fs; shifts the reading frame from phenylalanine 674.
Molecular consequence: frameshift variant.
Genome position: GRCh38 VCF-style: chr3-141608491-G-GTA. GRCh37 (hg19) VCF-style: chr3-141327333-G-GTA.
Other names: c.2023_2024insAT, p.Phe675fs (NM_001303245.3); c.2032_2033insAT, p.Phe678fs (NM_001303246.3); short protein forms F674fs, F675fs, F678fs.
Identifiers: ClinVar variation 1339666 (VCV001339666.1), dbSNP rs2107801496, ClinGen allele CA2573052096.

ClinVar aggregate classification (germline): Uncertain significance (1 of 4 stars; one submission).

Submission:

Women's Health and Genetics/Laboratory Corporation of America, LabCorp
Classification: Uncertain significance. Last evaluated: 2022-01-09. Review status: criteria provided, single submitter. Criteria: LabCorp Variant Classification Summary - May 2015. Collection method: clinical testing. Allele origin: germline.
Comment: Variant summary: RASA2 c.2020_2021insAT (p.Phe674TyrfsX4) results in a premature termination codon, predicted to cause a truncation of the encoded protein or absence of the protein due to nonsense mediated decay, which are commonly known mechanisms for disease. The variant was absent in 250684 control chromosomes. The available data on variant occurrences in the general population are insufficient to allow any conclusion about variant significance. To our knowledge, no occurrence of c.2020_2021insAT in individuals affected with Noonan Syndrome and no experimental evidence demonstrating its impact on protein function have been reported. No clinical diagnostic laboratories have submitted clinical-significance assessments for this variant to ClinVar after 2014. Based on the evidence outlined above, the variant was classified as uncertain significance.